The following is an entry in ClinVar:

ClinVar aggregate classification (germline): Benign/Likely benign. Review status: criteria provided, multiple submitters, no conflicts (2 of 4 stars). 7 submissions from 7 submitters: Benign (1); Likely benign (6). Last evaluated 2026-06-24.

Conditions:
Hereditary cancer-predisposing syndrome. Also called: Hereditary neoplastic syndrome; Tumor predisposition; Hereditary Cancer Syndrome; Neoplastic Syndromes, Hereditary. Identifiers: Orphanet 140162, MedGen C0027672, MeSH D009386, MONDO:0015356.
Familial cancer of breast. Also called: Hereditary breast cancer; BREAST CANCER, FAMILIAL; hereditary breast carcinoma. Identifiers: Orphanet 227535, MedGen C0346153, MONDO:0016419, OMIM 114480. Disease mechanism: loss of function.
Fanconi anemia complementation group J. Also called: BRIP1-Related Fanconi Anemia. Identifiers: Orphanet 84, MedGen C1836860, MONDO:0012187, OMIM 609054.

Allele frequency attached by ClinVar (database versions not stated): TOPMed below 0.00001; ExAC 0.00001; gnomAD exomes below 0.00001.
gnomAD v4.1: 3 of 1,613,808 alleles (0.00019%); highest among the groups gnomAD compares: Non-Finnish European, 0.00025%; no homozygotes.

Submissions (7):

Institute for Biomarker Research, Medical Diagnostic Laboratories, L.L.C.
Classification: Likely benign for Hereditary cancer-predisposing syndrome. Last evaluated: 2026-06-24. Review status: criteria provided, single submitter. Criteria: ACMG Guidelines, 2015. Collection method: clinical testing. Allele origin: germline.
Comment: The synonymous variant NM_032043.3(BRIP1):c.864A>G (p.Val288=) has been reported to ClinVar as Benign/Likely benign with a status of (2 stars) criteria provided, multiple submitters, no conflicts (Accession: VCV000517895.22). The p.Val288= variant is observed in 1/113,308 (0.0009%) alleles from individuals of gnomAD Non Finnish European background in gnomAD All. The p.Val288= variant is novel (not in any individuals) in 1kG All. The nucleotide c.864 in BRIP1 is not conserved according to a GERP++ and PhyloP analysis of 100 vertebrates. For these reasons, this variant has been classified as Likely Benign.

Labcorp Genetics (formerly Invitae), Labcorp
Classification: Likely benign for Familial cancer of breast; Fanconi anemia complementation group J. Last evaluated: 2026-01-24. Review status: criteria provided, single submitter. Criteria: Invitae Variant Classification Sherloc (09022015). Collection method: clinical testing. Allele origin: germline.

Center for Genomic Medicine, Rigshospitalet, Copenhagen University Hospital
Classification: Likely benign. Last evaluated: 2025-03-04. Review status: criteria provided, single submitter. Criteria: ACMG Guidelines, 2015. Collection method: clinical testing. Allele origin: germline.

Myriad Genetics, Inc.
Classification: Benign for Familial cancer of breast. Last evaluated: 2024-08-22. Review status: criteria provided, single submitter. Criteria: Myriad Autosomal Dominant, Autosomal Recessive and X-Linked Classification Criteria (2023). Collection method: clinical testing. Allele origin: unknown.
Comment: This variant is considered benign. This variant is a silent/synonymous amino acid change and it is not expected to impact splicing.

GeneDx
Classification: Likely benign. Last evaluated: 2018-08-09. Review status: criteria provided, single submitter. Criteria: GeneDx Variant Classification Process June 2021. Collection method: clinical testing. Allele origin: germline. Affected: yes.

Ambry Genetics
Classification: Likely benign for Hereditary cancer-predisposing syndrome. Last evaluated: 2018-01-02. Review status: criteria provided, single submitter. Criteria: Ambry Variant Classification Scheme 2023. Collection method: clinical testing. Allele origin: germline.

Color Diagnostics, LLC DBA Color Health
Classification: Likely benign for Hereditary cancer-predisposing syndrome. Last evaluated: 2016-05-10. Review status: criteria provided, single submitter. Criteria: ACMG Guidelines, 2015. Collection method: clinical testing. Allele origin: germline.

NM_032043.3(BRIP1):c.864A>G (p.Val288=)

Gene: BRIP1 (BRCA1 interacting DNA helicase 1; minus strand). Cytogenetic location: 17q23.2.
Variant type: single nucleotide variant.
Coding change: c.864A>G on transcript NM_032043.3 (MANE Select); coding-DNA position 864, A replaced by G.
Protein change: p.Val288=; no amino-acid change (valine 288 retained).
Molecular consequence: synonymous variant.
Genome position (GRCh38, 1-based): chr17:61,808,521, T>C on the plus strand (A>G on the coding strand, the complement: BRIP1 is on the minus strand). VCF-style: chr17-61808521-T-C. GRCh37 (hg19) VCF-style: chr17-59885882-T-C.
Identifiers: ClinVar variation 517895 (VCV000517895.23), dbSNP rs748545827, ClinGen allele CA8690842.